The following is an entry in ClinVar:

NM_000157.4(GBA1):c.1053G>T (p.Trp351Cys)

Genes: GBA1 (glucosylceramidase beta 1; minus strand), LOC106627981 (GBA recombination region; plus strand). Cytogenetic location: 1q22.
Variant type: single nucleotide variant.
Coding change: c.1053G>T on transcript NM_000157.4 (MANE Select); coding-DNA position 1053, G replaced by T.
Protein change: p.Trp351Cys; replaces tryptophan 351 with cysteine.
Molecular consequence: missense variant.
Genome position (GRCh38, 1-based): chr1:155,236,416, C>A on the plus strand (G>T on the coding strand, the complement: GBA1 is on the minus strand). VCF-style: chr1-155236416-C-A. GRCh37 (hg19) VCF-style: chr1-155206207-C-A.
Other names: W312C; c.1053G>T, p.Trp351Cys (NM_001005741.3, NM_001005742.3); c.792G>T, p.Trp264Cys (NM_001171811.2); c.906G>T, p.Trp302Cys (NM_001171812.2); c.1053G>T (NM_000157.3); short protein forms W351C, W264C, W302C.
Identifiers: ClinVar variation 4317 (VCV000004317.3), dbSNP rs121908304, ClinGen allele CA253092.

ClinVar aggregate classification (germline): Likely pathogenic. Review status: criteria provided, single submitter (1 of 4 stars). 2 submissions from 2 submitters: Likely pathogenic (1). 1 of the submissions does not count toward it. Last evaluated 2025-07-15.

Conditions:
Gaucher disease. Also called: Acute cerebral Gaucher disease; Cerebroside lipidosis syndrome; Gaucher splenomegaly; Sphingolipidosis 1; Glucocerebrosidosis; Glucosylceramidase deficiency. Identifiers: Orphanet 355, MedGen C0017205, MONDO:0018150.
Gaucher disease type I (GD1). Also called: GD 1; GAUCHER DISEASE, NONCEREBRAL JUVENILE; GBA DEFICIENCY; GD I; GLUCOCEREBROSIDASE DEFICIENCY; ACID BETA-GLUCOSIDASE DEFICIENCY. Identifiers: Orphanet 355, Orphanet 77259, MedGen C1961835, MONDO:0009265, OMIM 230800.

Submissions (2):

Natera, Inc.
Classification: Likely pathogenic for Gaucher disease. Last evaluated: 2025-07-15. Review status: criteria provided, single submitter. Criteria: Natera Variant Classification Schema (03/2026). Collection method: clinical testing. Allele origin: germline.
Comment: The c.1053G>T variant in GBA1 is a missense variant predicted to cause substitution of tryptophan to cysteine at amino acid 351. This variant is rare in the general population with a frequency below the threshold expected for the associated phenotype(s). This variant has been observed in one or more individuals affected with the associated recessive disease, as either homozygous or compound heterozygous with a second variant (PMID: 1899336). A different variant at the same position has been determined to be Pathogenic or Likely Pathogenic. Computational prediction algorithms indicate this variant is likely to affect gene or protein function. Given the available evidence, this variant is classified as Likely Pathogenic.

OMIM
Classification: Pathogenic for GAUCHER DISEASE, TYPE I. Last evaluated: 1990-07-01. Review status: no assertion criteria provided. Collection method: literature only. Allele origin: germline. Not counted in ClinVar's aggregate classification.

Literature cited by the submitters: PubMed 1899336 (cited by Natera, Inc.); PubMed 2349952 (cited by OMIM).